The following is an entry in ClinVar:

NM_001376.5(DYNC1H1):c.4133G>A (p.Arg1378Gln)

Gene: DYNC1H1 (dynein cytoplasmic 1 heavy chain 1; plus strand). Cytogenetic location: 14q32.31.
Variant type: single nucleotide variant.
Coding change: c.4133G>A on transcript NM_001376.5 (MANE Select); coding-DNA position 4133, G replaced by A.
Protein change: p.Arg1378Gln; replaces arginine 1378 with glutamine.
Molecular consequence: missense variant.
Genome position (GRCh38, 1-based): chr14:102,001,012, G>A. VCF-style: chr14-102001012-G-A. GRCh37 (hg19) VCF-style: chr14-102467349-G-A.
Other names: short protein forms R1378Q.
Identifiers: ClinVar variation 943186 (VCV000943186.11), dbSNP rs2048124807, ClinGen allele CA391039730.

ClinVar aggregate classification (germline): Uncertain significance. Review status: criteria provided, multiple submitters, no conflicts (2 of 4 stars). 2 submissions from 2 submitters: Uncertain significance (2). Last evaluated 2025-10-12.

Conditions:
Charcot-Marie-Tooth disease axonal type 2O. Also called: CHARCOT-MARIE-TOOTH NEUROPATHY, AXONAL, TYPE 2O; CHARCOT-MARIE-TOOTH DISEASE, AXONAL, AUTOSOMAL DOMINANT, TYPE 2O; Charcot-Marie-Tooth Neuropathy Type 2O; Charcot-Marie-Tooth disease, axonal, type 20. Identifiers: Orphanet 284232, MedGen C3280220, MONDO:0013644, OMIM 614228.

Allele frequency attached by ClinVar (database versions not stated): gnomAD exomes below 0.00001.
gnomAD v4.1: 1 of 1,614,190 alleles (0.000062%); highest among the groups gnomAD compares: Non-Finnish European, 0.000085%; no homozygotes.

Submissions (2):

Labcorp Genetics (formerly Invitae), Labcorp
Classification: Uncertain significance for Charcot-Marie-Tooth disease axonal type 2O. Last evaluated: 2025-10-12. Review status: criteria provided, single submitter. Criteria: Invitae Variant Classification Sherloc (09022015). Collection method: clinical testing. Allele origin: germline.
Comment: This sequence change replaces arginine, which is basic and polar, with glutamine, which is neutral and polar, at codon 1378 of the DYNC1H1 protein (p.Arg1378Gln). This variant is not present in population databases (gnomAD no frequency). This variant has not been reported in the literature in individuals affected with DYNC1H1-related conditions. ClinVar contains an entry for this variant (Variation ID: 943186). Invitae Evidence Modeling of protein sequence and biophysical properties (such as structural, functional, and spatial information, amino acid conservation, physicochemical variation, residue mobility, and thermodynamic stability) indicates that this missense variant is expected to disrupt DYNC1H1 protein function with a positive predictive value of 95%. In summary, the available evidence is currently insufficient to determine the role of this variant in disease. Therefore, it has been classified as a Variant of Uncertain Significance.

GeneDx
Classification: Uncertain significance. Last evaluated: 2021-04-27. Review status: criteria provided, single submitter. Criteria: GeneDx Variant Classification Process June 2021. Collection method: clinical testing. Allele origin: germline. Affected: yes.
Comment: Not observed in large population cohorts (Lek et al., 2016); In silico analysis supports that this missense variant has a deleterious effect on protein structure/function; Has not been previously published as pathogenic or benign to our knowledge